The following is an entry in ClinVar:

ClinVar aggregate classification (germline): Uncertain significance (1 of 4 stars; one submission).

Allele frequency attached by ClinVar (database versions not stated): TOPMed below 0.00001; gnomAD 0.00001.

Submission:

Labcorp Genetics (formerly Invitae), Labcorp
Classification: Uncertain significance. Last evaluated: 2021-12-22. Review status: criteria provided, single submitter. Criteria: Invitae Variant Classification Sherloc (09022015). Collection method: clinical testing. Allele origin: germline.
Comment: Algorithms developed to predict the effect of missense changes on protein structure and function are either unavailable or do not agree on the potential impact of this missense change (SIFT: "Deleterious"; PolyPhen-2: "Probably Damaging"; Align-GVGD: "Class C0"). In summary, the available evidence is currently insufficient to determine the role of this variant in disease. Therefore, it has been classified as a Variant of Uncertain Significance. This variant has not been reported in the literature in individuals affected with SLC34A2-related conditions. This variant is not present in population databases (gnomAD no frequency). This sequence change replaces glycine, which is neutral and non-polar, with aspartic acid, which is acidic and polar, at codon 498 of the SLC34A2 protein (p.Gly498Asp).

NM_006424.3(SLC34A2):c.1493G>A (p.Gly498Asp)

Gene: SLC34A2 (solute carrier family 34 member 2; plus strand). Cytogenetic location: 4p15.2.
Variant type: single nucleotide variant.
Coding change: c.1493G>A on transcript NM_006424.3 (MANE Select); coding-DNA position 1493, G replaced by A.
Protein change: p.Gly498Asp; replaces glycine 498 with aspartic acid.
Molecular consequence: missense variant.
Genome position (GRCh38, 1-based): chr4:25,676,169, G>A. VCF-style: chr4-25676169-G-A. GRCh37 (hg19) VCF-style: chr4-25677791-G-A.
Other names: c.1490G>A, p.Gly497Asp (NM_001177998.2, NM_001177999.2); short protein forms G498D, G497D.
Identifiers: ClinVar variation 1473573 (VCV001473573.8), dbSNP rs867302694, ClinGen allele CA93663602.
Genomic context (GRCh38, chr4:25,676,169, plus strand): 5'-CACCTGTCCAACCTCTTGTGTTGCAGATCGCCCTGTGCCACTTTTTCTTCAACATCTCCG[G>A]CATCTTGCTGTGGTACCCGATCCCGTTCACTCGCCTGCCCATCCGCATGGCCAAGGGGCT-3'
Protein context (NP_006415.3, residues 488-508): ALCHFFFNIS[Gly498Asp]ILLWYPIPFT